The following is an entry in ClinVar:

NM_001010867.4(IBA57):c.245G>C (p.Ser82Thr)

Gene: IBA57 (iron-sulfur cluster assembly factor IBA57; plus strand). Cytogenetic location: 1q42.13.
Variant type: single nucleotide variant.
Coding change: c.245G>C on transcript NM_001010867.4 (MANE Select); coding-DNA position 245, G replaced by C.
Protein change: p.Ser82Thr; replaces serine 82 with threonine.
Molecular consequence: missense variant.
Genome position (GRCh38, 1-based): chr1:228,166,061, G>C. VCF-style: chr1-228166061-G-C. GRCh37 (hg19) VCF-style: chr1-228353762-G-C.
Other names: c.245G>C (NM_001010867.2); short protein forms S82T.
Identifiers: ClinVar variation 2075438 (VCV002075438.5), dbSNP rs2527900879, ClinGen allele CA345106003.
Genomic context (GRCh38, chr1:228,166,061, plus strand): 5'-GTGGCCCCGACGCGGCGCCCTTCCTGCTAGGGCTGCTGACCAATGAACTGCCGCTTCCGA[G>C]TCCTGCGGCCGCGGGGGCCCCGCCTGCTGCGCGCGCGGGCTACGCCCACTTCCTGAACGT-3'
Protein context (NP_001010867.1, residues 72-92): GLLTNELPLP[Ser82Thr]PAAAGAPPAA

ClinVar aggregate classification (germline): Uncertain significance. Review status: criteria provided, multiple submitters, no conflicts (2 of 4 stars). 2 submissions from 2 submitters: Uncertain significance (2). Last evaluated 2025-11-03.

Conditions:
Inborn genetic diseases. Identifiers: MedGen C0950123, MeSH D030342.
Multiple mitochondrial dysfunctions syndrome 3 (MMDS3). Identifiers: Orphanet 363424, MedGen C3809165, MONDO:0014132, OMIM 615330.
Hereditary spastic paraplegia 74. Also called: Spastic paraplegia 74, autosomal recessive. Identifiers: Orphanet 468661, MedGen C5568837, MONDO:0014644, OMIM 616451.

Submissions (2):

Labcorp Genetics (formerly Invitae), Labcorp
Classification: Uncertain significance for Multiple mitochondrial dysfunctions syndrome 3; Hereditary spastic paraplegia 74. Last evaluated: 2025-11-03. Review status: criteria provided, single submitter. Criteria: Invitae Variant Classification Sherloc (09022015). Collection method: clinical testing. Allele origin: germline.
Comment: This sequence change replaces serine, which is neutral and polar, with threonine, which is neutral and polar, at codon 82 of the IBA57 protein (p.Ser82Thr). This variant is not present in population databases (gnomAD no frequency). This variant has not been reported in the literature in individuals affected with IBA57-related conditions. ClinVar contains an entry for this variant (Variation ID: 2075438). Invitae Evidence Modeling of protein sequence and biophysical properties (such as structural, functional, and spatial information, amino acid conservation, physicochemical variation, residue mobility, and thermodynamic stability) indicates that this missense variant is not expected to disrupt IBA57 protein function with a negative predictive value of 80%. In summary, the available evidence is currently insufficient to determine the role of this variant in disease. Therefore, it has been classified as a Variant of Uncertain Significance.

Ambry Genetics
Classification: Uncertain significance for Inborn genetic diseases. Last evaluated: 2024-01-04. Review status: criteria provided, single submitter. Criteria: Ambry Variant Classification Scheme 2023. Collection method: clinical testing. Allele origin: germline.